The following is an entry in ClinVar:

ClinVar aggregate classification (germline): Uncertain significance (1 of 4 stars; one submission).

Conditions:
Ehlers-Danlos syndrome, type 4 (EDSVASC). Also called: Ehlers-Danlos syndrome vascular type; Ehlers Danlos syndrome, ecchymotic type; Ehlers Danlos syndrome, arterial type; Ehlers Danlos syndrome, Sack-Barabas type; Ehlers-Danlos Syndrome Type IV. Identifiers: Orphanet 286, MedGen C0268338, MONDO:0017314, OMIM 130050.

Submission:

Labcorp Genetics (formerly Invitae), Labcorp
Classification: Uncertain significance for Ehlers-Danlos syndrome, type 4. Last evaluated: 2022-08-16. Review status: criteria provided, single submitter. Criteria: Invitae Variant Classification Sherloc (09022015). Collection method: clinical testing. Allele origin: germline.
Comment: In summary, the available evidence is currently insufficient to determine the role of this variant in disease. Therefore, it has been classified as a Variant of Uncertain Significance. This variant has not been reported in the literature in individuals affected with COL3A1-related conditions. This variant results in a copy number gain of the genomic region encompassing exon(s) 3-51 of the COL3A1 gene. This region includes the termination codon of the gene. This copy number gain extends beyond the assayed region for this gene and therefore may encompass additional genes. As the precise location of this event is unknown, it may be in tandem or it may be located elsewhere in the genome.

NC_000002.11:g.(?_189849903)_(189957166_?)dup

Genes: COL3A1 (collagen type III alpha 1 chain; plus strand), COL5A2 (collagen type V alpha 2 chain; minus strand). Cytogenetic location: 2q32.2.
Variant type: Duplication.
Identifiers: ClinVar variation 2422339 (VCV002422339.6).